The following is an entry in ClinVar:

NM_030667.3(PTPRO):c.946G>A (p.Val316Ile)

Gene: PTPRO (protein tyrosine phosphatase receptor type O; plus strand). Cytogenetic location: 12p12.3.
Variant type: single nucleotide variant.
Coding change: c.946G>A on transcript NM_030667.3 (MANE Select); coding-DNA position 946, G replaced by A.
Protein change: p.Val316Ile; replaces valine 316 with isoleucine.
Molecular consequence: missense variant.
Genome position (GRCh38, 1-based): chr12:15,501,904, G>A. VCF-style: chr12-15501904-G-A. GRCh37 (hg19) VCF-style: chr12-15654838-G-A.
Other names: c.946G>A (NM_030667.2); c.946G>A, p.Val316Ile (NM_002848.4); short protein forms V316I.
Identifiers: ClinVar variation 2040872 (VCV002040872.6), dbSNP rs767153532, ClinGen allele CA6466395.
Genomic context (GRCh38, chr12:15,501,904, plus strand): 5'-CAGCCATATTGGTGGGACAGTGCATCTGCAGCTCCTGAAAGTGAAGATGAATTTGTCAGC[G>A]TACTTCCCATGGAATACGAAAATAACAGTACACTCAGTGAGACAGAGAAGTCAACATCAG-3'
Protein context (NP_109592.1, residues 306-326): APESEDEFVS[Val316Ile]LPMEYENNST

ClinVar aggregate classification (germline): Uncertain significance. Review status: criteria provided, multiple submitters, no conflicts (2 of 4 stars). 3 submissions from 3 submitters: Uncertain significance (3). Last evaluated 2025-12-15.

Conditions:
Nephrotic syndrome, type 6 (NPHS6). Identifiers: Orphanet 656, MedGen C3280100, MONDO:0013619, OMIM 614196.

Allele frequency attached by ClinVar (database versions not stated): gnomAD 0.00002; gnomAD exomes 0.00003; TOPMed 0.00008; ExAC 0.00012.
gnomAD v4.1: 52 of 1,613,900 alleles (0.0032%); highest among the groups gnomAD compares: Admixed American, 0.06%; no homozygotes.

Submissions (3):

Labcorp Genetics (formerly Invitae), Labcorp
Classification: Uncertain significance. Last evaluated: 2025-12-15. Review status: criteria provided, single submitter. Criteria: Invitae Variant Classification Sherloc (09022015). Collection method: clinical testing. Allele origin: germline.
Comment: This sequence change replaces valine, which is neutral and non-polar, with isoleucine, which is neutral and non-polar, at codon 316 of the PTPRO protein (p.Val316Ile). This variant is present in population databases (rs767153532, gnomAD 0.09%). This variant has not been reported in the literature in individuals affected with PTPRO-related conditions. ClinVar contains an entry for this variant (Variation ID: 2040872). An algorithm developed to predict the effect of missense changes on protein structure and function (PolyPhen-2) suggests that this variant is likely to be tolerated. In summary, the available evidence is currently insufficient to determine the role of this variant in disease. Therefore, it has been classified as a Variant of Uncertain Significance.

Ambry Genetics
Classification: Uncertain significance. Last evaluated: 2025-08-04. Review status: criteria provided, single submitter. Criteria: Ambry Variant Classification Scheme 2023. Collection method: clinical testing. Allele origin: germline.

Fulgent Genetics
Classification: Uncertain significance for Nephrotic syndrome, type 6. Last evaluated: 2024-05-06. Review status: criteria provided, single submitter. Criteria: ACMG Guidelines, 2015. Collection method: clinical testing. Allele origin: germline.